The following is an entry in ClinVar:

ClinVar aggregate classification (germline): Pathogenic (1 of 4 stars; one submission).

Conditions:
PRPH2-related disorder. Also called: PRPH2-related condition; PRPH2-related disorders. Identifiers: MedGen CN239395.

Submission:

Labcorp Genetics (formerly Invitae), Labcorp
Classification: Pathogenic for PRPH2-related disorder. Last evaluated: 2025-02-09. Review status: criteria provided, single submitter. Criteria: Invitae Variant Classification Sherloc (09022015). Collection method: clinical testing. Allele origin: germline.
Comment: This sequence change creates a premature translational stop signal (p.Lys90Ilefs*86) in the PRPH2 gene. It is expected to result in an absent or disrupted protein product. Loss-of-function variants in PRPH2 are known to be pathogenic (PMID: 8111389, 8485575, 8485576, 8675410, 16916875, 17504850, 22863181, 25675413, 26061163, 27365499, 29555955, 33546218). This variant is not present in population databases (gnomAD no frequency). This variant has not been reported in the literature in individuals affected with PRPH2-related conditions. ClinVar contains an entry for this variant (Variation ID: 1451248). For these reasons, this variant has been classified as Pathogenic.

Literature cited by the submitters: PubMed 8111389; PubMed 8485575; PubMed 8485576; PubMed 8675410; PubMed 16916875; PubMed 17504850; PubMed 22863181; PubMed 25675413; PubMed 26061163; PubMed 27365499; PubMed 29555955; PubMed 33546218.

NM_000322.5(PRPH2):c.269_270del (p.Lys90fs)

Gene: PRPH2 (peripherin 2; minus strand). Cytogenetic location: 6p21.1.
Variant type: Deletion.
Coding change: c.269_270del on transcript NM_000322.5 (MANE Select); coding-DNA positions 269 to 270, 2 bases deleted (AG; older notation c.269_270delAG).
Protein change: p.Lys90fs; shifts the reading frame from lysine 90.
Molecular consequence: frameshift variant.
Genome position (GRCh38, 1-based): chr6:42,722,065-42,722,066, CT deleted on the plus strand (AG on the coding strand, the reverse complement: PRPH2 is on the minus strand). VCF-style (leftmost placement, unchanged base first): chr6-42722064-ACT-A. GRCh37 (hg19) VCF-style: chr6-42689802-ACT-A.
Other names: short protein forms K90fs.
Identifiers: ClinVar variation 1451248 (VCV001451248.6), dbSNP rs2152011015, ClinGen allele CA2573140735.
Genomic context (GRCh38, chr6:42,722,064, plus strand): 5'-TGATGTTGAAGAGAACACAGATAGCCAGGTACGGCTTCAGCCAGGGCTTCCATCTGGCAT[ACT>A]TGGCTGGGTCCAGGGCGTCGTAGCAGATCTTCCCAGCCAGCGAGTTGAAGACACAGGATA-3'